The following is an entry in ClinVar:

NM_058216.3(RAD51C):c.66G>C (p.Ala22=)

Gene: RAD51C (RAD51 paralog C; plus strand). Cytogenetic location: 17q22.
Variant type: single nucleotide variant.
Coding change: c.66G>C on transcript NM_058216.3 (MANE Select); coding-DNA position 66, G replaced by C.
Protein change: p.Ala22=; no amino-acid change (alanine 22 retained).
Molecular consequence: synonymous variant. On other transcripts: non-coding transcript variant (1).
Genome position (GRCh38, 1-based): chr17:58,692,709, G>C. VCF-style: chr17-58692709-G-C. GRCh37 (hg19) VCF-style: chr17-56770070-G-C.
Other names: c.66G>C, p.Ala22= (NM_002876.4).
Identifiers: ClinVar variation 480517 (VCV000480517.15), dbSNP rs876660695, ClinGen allele CA501074355.

ClinVar aggregate classification (germline): Benign/Likely benign. Review status: criteria provided, multiple submitters, no conflicts (2 of 4 stars). 5 submissions from 5 submitters: Benign (1); Likely benign (4). Last evaluated 2025-09-14.

Conditions:
Hereditary cancer-predisposing syndrome. Also called: Hereditary neoplastic syndrome; Neoplastic Syndromes, Hereditary; Tumor predisposition; Hereditary Cancer Syndrome. Identifiers: Orphanet 140162, MedGen C0027672, MeSH D009386, MONDO:0015356.
Fanconi anemia complementation group O. Also called: RAD51C-Related Fanconi Anemia. Identifiers: Orphanet 84, MedGen C3150653, MONDO:0013248, OMIM 613390.
Breast-ovarian cancer, familial, susceptibility to, 3. Also called: RAD51C-Related Breast/Ovarian Cancer. Identifiers: Orphanet 145, MedGen C3150659, MONDO:0013253, OMIM 613399.

Submissions (5):

Labcorp Genetics (formerly Invitae), Labcorp
Classification: Likely benign for Fanconi anemia complementation group O. Last evaluated: 2025-09-14. Review status: criteria provided, single submitter. Criteria: Invitae Variant Classification Sherloc (09022015). Collection method: clinical testing. Allele origin: germline.

Color Diagnostics, LLC DBA Color Health
Classification: Likely benign for Hereditary cancer-predisposing syndrome. Last evaluated: 2025-05-12. Review status: criteria provided, single submitter. Criteria: ACMG Guidelines, 2015. Collection method: clinical testing. Allele origin: germline.

Myriad Genetics, Inc.
Classification: Benign for Breast-ovarian cancer, familial, susceptibility to, 3. Last evaluated: 2025-02-14. Review status: criteria provided, single submitter. Criteria: Myriad Autosomal Dominant, Autosomal Recessive and X-Linked Classification Criteria (2023). Collection method: clinical testing. Allele origin: unknown.
Comment: This variant is considered benign. This variant is a silent/synonymous amino acid change and it is not expected to impact splicing.

GeneDx
Classification: Likely benign. Last evaluated: 2017-04-20. Review status: criteria provided, single submitter. Criteria: GeneDx Variant Classification (06012015). Collection method: clinical testing. Allele origin: germline. Affected: yes.
Comment: This variant is considered likely benign or benign based on one or more of the following criteria: it is a conservative change, it occurs at a poorly conserved position in the protein, it is predicted to be benign by multiple in silico algorithms, and/or has population frequency not consistent with disease.

Ambry Genetics
Classification: Likely benign for Hereditary cancer-predisposing syndrome. Last evaluated: 2017-02-08. Review status: criteria provided, single submitter. Criteria: Ambry Variant Classification Scheme 2023. Collection method: clinical testing. Allele origin: germline.